The following is an entry in ClinVar:

NM_002519.3(NPAT):c.3708A>T (p.Lys1236Asn)

Gene: NPAT (nuclear protein, coactivator of histone transcription; minus strand). Cytogenetic location: 11q22.3.
Variant type: single nucleotide variant.
Coding change: c.3708A>T on transcript NM_002519.3 (MANE Select); coding-DNA position 3708, A replaced by T.
Protein change: p.Lys1236Asn; replaces lysine 1236 with asparagine.
Molecular consequence: missense variant.
Genome position (GRCh38, 1-based): chr11:108,161,378, T>A on the plus strand (A>T on the coding strand, the complement: NPAT is on the minus strand). VCF-style: chr11-108161378-T-A. GRCh37 (hg19) VCF-style: chr11-108032105-T-A.
Other names: c.3729A>T, p.Lys1243Asn (NM_001321307.1); short protein forms K1236N, K1243N.
Identifiers: ClinVar variation 2587668 (VCV002587668.2), dbSNP rs2496694961, ClinGen allele CA382510220.

ClinVar aggregate classification (germline): Uncertain significance (1 of 4 stars; one submission).

Submission:

Ambry Genetics
Classification: Uncertain significance. Last evaluated: 2023-07-12. Review status: criteria provided, single submitter. Criteria: Ambry Variant Classification Scheme 2023. Collection method: clinical testing. Allele origin: germline.
Comment: The p.K1236N variant (also known as c.3708A>T), located in coding exon 17 of the NPAT gene, results from an A to T substitution at nucleotide position 3708. The lysine at codon 1236 is replaced by asparagine, an amino acid with similar properties. This amino acid position is conserved. In addition, this alteration is predicted to be tolerated by in silico analysis. Since supporting evidence is limited at this time, the clinical significance of this alteration remains unclear.